The following is an entry in ClinVar:

NM_001378414.1(HDAC4):c.340-9C>T

Gene: HDAC4 (histone deacetylase 4; minus strand). Cytogenetic location: 2q37.3.
Variant type: single nucleotide variant.
Coding change: c.340-9C>T on transcript NM_001378414.1 (MANE Select); 9 bases into the intron before coding-DNA position 340, C replaced by T.
Molecular consequence: intron variant.
Genome position (GRCh38, 1-based): chr2:239,176,572, G>A on the plus strand (C>T on the coding strand, the complement: HDAC4 is on the minus strand). VCF-style: chr2-239176572-G-A. GRCh37 (hg19) VCF-style: chr2-240098268-G-A.
Other names: c.340-9C>T (NM_001378417.1, NM_001378415.1, NM_001378416.1 and 1 more transcripts).
Identifiers: ClinVar variation 930723 (VCV000930723.3), dbSNP rs2043788487, ClinGen allele CA1139657809.
Genomic context (GRCh38, chr2:239,176,572, plus strand): 5'-GGTGTTCCAGCAGCTCCTGCTGGTGCTTCATGGCCAGCATCTCCTGTTGTTGCTGCAAGT[G>A]GAAGGAGGAGACAGACGGTCAGAGCCCAGGCTCCACACACACACAGAGACCCAATGAAGA-3'

ClinVar aggregate classification (germline): Uncertain significance (1 of 4 stars; one submission).

Submission:

Centre for Mendelian Genomics, University Medical Centre Ljubljana
Classification: Uncertain significance. Last evaluated: 2018-10-02. Review status: criteria provided, single submitter. Criteria: ACMG Guidelines, 2015. Collection method: clinical testing. Allele origin: unknown. Affected: yes.
Comment: This variant was classified as: Uncertain significance. The available evidence on this variant's pathogenicity is insufficient or conflicting. The following ACMG criteria were applied in classifying this variant: PM2,PB4.